The following is an entry in ClinVar:

NM_032271.3(TRAF7):c.1974_1975del (p.Ala660fs)

Gene: TRAF7 (TNF receptor associated factor 7; plus strand). Cytogenetic location: 16p13.3.
Variant type: Deletion.
Coding change: c.1974_1975del on transcript NM_032271.3 (MANE Select); coding-DNA positions 1974 to 1975, 2 bases deleted (AG; older notation c.1974_1975delAG).
Protein change: p.Ala660fs; shifts the reading frame from alanine 660.
Molecular consequence: frameshift variant.
Genome position (GRCh38, 1-based): chr16:2,176,360-2,176,361, AG deleted. VCF-style (leftmost placement, unchanged base first): chr16-2176359-CAG-C. GRCh37 (hg19) VCF-style: chr16-2226360-CAG-C.
Other names: short protein forms A660fs.
Identifiers: ClinVar variation 1702556 (VCV001702556.2), dbSNP rs2141299318, ClinGen allele CA2580090959.

ClinVar aggregate classification (germline): Uncertain significance (1 of 4 stars; one submission).

Submission:

GeneDx
Classification: Uncertain significance. Last evaluated: 2022-02-18. Review status: criteria provided, single submitter. Criteria: GeneDx Variant Classification Process June 2021. Collection method: clinical testing. Allele origin: germline. Affected: yes.
Comment: Not observed at significant frequency in large population cohorts (gnomAD); Frameshift variant predicted to result in protein truncation in a gene for which loss-of-function is not a known mechanism of disease; Has not been previously published as pathogenic or benign to our knowledge